The following is an entry in ClinVar:

NM_001605.3(AARS1):c.2819C>T (p.Ala940Val)

Gene: AARS1 (alanyl-tRNA synthetase 1; minus strand). Cytogenetic location: 16q22.1.
Variant type: single nucleotide variant.
Coding change: c.2819C>T on transcript NM_001605.3 (MANE Select); coding-DNA position 2819, C replaced by T.
Protein change: p.Ala940Val; replaces alanine 940 with valine.
Molecular consequence: missense variant.
Genome position (GRCh38, 1-based): chr16:70,252,809, G>A on the plus strand (C>T on the coding strand, the complement: AARS1 is on the minus strand). VCF-style: chr16-70252809-G-A. GRCh37 (hg19) VCF-style: chr16-70286712-G-A.
Other names: short protein forms A940V.
Identifiers: ClinVar variation 957117 (VCV000957117.9), dbSNP rs1959874409, ClinGen allele CA396554358.

ClinVar aggregate classification (germline): Uncertain significance (1 of 4 stars; one submission).

Conditions:
Charcot-Marie-Tooth disease type 2. Also called: Charcot-Marie-Tooth type 2. Identifiers: Orphanet 64746, MedGen C0270914, MONDO:0018993.

Allele frequency attached by ClinVar (database versions not stated): gnomAD exomes below 0.00001.
gnomAD v4.1: 7 of 1,614,226 alleles (0.00043%); highest among the groups gnomAD compares: Non-Finnish European, 0.00059%; no homozygotes.

Submission:

Labcorp Genetics (formerly Invitae), Labcorp
Classification: Uncertain significance for Charcot-Marie-Tooth disease type 2. Last evaluated: 2025-10-24. Review status: criteria provided, single submitter. Criteria: Invitae Variant Classification Sherloc (09022015). Collection method: clinical testing. Allele origin: germline.
Comment: This sequence change replaces alanine, which is neutral and non-polar, with valine, which is neutral and non-polar, at codon 940 of the AARS protein (p.Ala940Val). This variant is not present in population databases (gnomAD no frequency). This missense change has been observed in individual(s) with clinical features of Charcot-Marie-Tooth disease (PMID: 29653220). ClinVar contains an entry for this variant (Variation ID: 957117). Invitae Evidence Modeling of protein sequence and biophysical properties (such as structural, functional, and spatial information, amino acid conservation, physicochemical variation, residue mobility, and thermodynamic stability) indicates that this missense variant is not expected to disrupt AARS protein function with a negative predictive value of 95%. In summary, the available evidence is currently insufficient to determine the role of this variant in disease. Therefore, it has been classified as a Variant of Uncertain Significance.

Literature cited by the submitters: PubMed 29653220.